The following is an entry in ClinVar:

ClinVar aggregate classification (germline): Uncertain significance. Review status: criteria provided, multiple submitters, no conflicts (2 of 4 stars). 2 submissions from 2 submitters: Uncertain significance (2). Last evaluated 2023-09-06.

Conditions:
Renal cell carcinoma. Identifiers: Orphanet 217071, MedGen C0007134, MeSH D002292, MONDO:0005086, HP:0005584.
Hereditary cancer-predisposing syndrome. Also called: Tumor predisposition; Hereditary Cancer Syndrome; Hereditary neoplastic syndrome; Neoplastic Syndromes, Hereditary. Identifiers: Orphanet 140162, MedGen C0027672, MeSH D009386, MONDO:0015356.

Allele frequency attached by ClinVar (database versions not stated): TOPMed below 0.00001.

Submissions (2):

Ambry Genetics
Classification: Uncertain significance for Hereditary cancer-predisposing syndrome. Last evaluated: 2023-09-06. Review status: criteria provided, single submitter. Criteria: Ambry Variant Classification Scheme 2023. Collection method: clinical testing. Allele origin: germline.
Comment: The p.P97L variant (also known as c.290C>T), located in coding exon 1 of the MET gene, results from a C to T substitution at nucleotide position 290. The proline at codon 97 is replaced by leucine, an amino acid with similar properties. This amino acid position is well conserved in available vertebrate species. In addition, this alteration is predicted to be tolerated by in silico analysis. Since supporting evidence is limited at this time, the clinical significance of this alteration remains unclear.

Labcorp Genetics (formerly Invitae), Labcorp
Classification: Uncertain significance for Renal cell carcinoma. Last evaluated: 2023-08-01. Review status: criteria provided, single submitter. Criteria: Invitae Variant Classification Sherloc (09022015). Collection method: clinical testing. Allele origin: germline.
Comment: In summary, the available evidence is currently insufficient to determine the role of this variant in disease. Therefore, it has been classified as a Variant of Uncertain Significance. Advanced modeling of protein sequence and biophysical properties (such as structural, functional, and spatial information, amino acid conservation, physicochemical variation, residue mobility, and thermodynamic stability) has been performed at Invitae for this missense variant, however the output from this modeling did not meet the statistical confidence thresholds required to predict the impact of this variant on MET protein function. This variant has not been reported in the literature in individuals affected with MET-related conditions. This variant is not present in population databases (gnomAD no frequency). This sequence change replaces proline, which is neutral and non-polar, with leucine, which is neutral and non-polar, at codon 97 of the MET protein (p.Pro97Leu).

NM_000245.4(MET):c.290C>T (p.Pro97Leu)

Gene: MET (MET proto-oncogene, receptor tyrosine kinase; plus strand). Cytogenetic location: 7q31.2.
Variant type: single nucleotide variant.
Coding change: c.290C>T on transcript NM_000245.4 (MANE Select); coding-DNA position 290, C replaced by T.
Protein change: p.Pro97Leu; replaces proline 97 with leucine.
Molecular consequence: missense variant. On other transcripts: intron variant (1).
Genome position (GRCh38, 1-based): chr7:116,699,374, C>T. VCF-style: chr7-116699374-C-T. GRCh37 (hg19) VCF-style: chr7-116339428-C-T.
Other names: c.290C>T, p.Pro97Leu (NM_001127500.3, NM_001324401.3); c.-91+26797C>T (NM_001324402.2); short protein forms P97L.
Identifiers: ClinVar variation 2587498 (VCV002587498.5), dbSNP rs1791473061, ClinGen allele CA368968748.
Genomic context (GRCh38, chr7:116,699,374, plus strand): 5'-ACCTTCAGAAGGTTGCTGAGTACAAGACTGGGCCTGTGCTGGAACACCCAGATTGTTTCC[C>T]ATGTCAGGACTGCAGCAGCAAAGCCAATTTATCAGGAGGTGTTTGGAAAGATAACATCAA-3'
Protein context (NP_000236.2, residues 87-107): GPVLEHPDCF[Pro97Leu]CQDCSSKANL